The following is an entry in ClinVar:

NM_006431.3(CCT2):c.173A>T (p.Asp58Val)

Gene: CCT2 (chaperonin containing TCP1 subunit 2; plus strand). Cytogenetic location: 12q15.
Variant type: single nucleotide variant.
Coding change: c.173A>T on transcript NM_006431.3 (MANE Select); coding-DNA position 173, A replaced by T.
Protein change: p.Asp58Val; replaces aspartic acid 58 with valine.
Molecular consequence: missense variant.
Genome position (GRCh38, 1-based): chr12:69,587,533, A>T. VCF-style: chr12-69587533-A-T. GRCh37 (hg19) VCF-style: chr12-69981313-A-T.
Other names: c.32A>T, p.Asp11Val (NM_001198842.2); c.173A>T (NM_006431.2); short protein forms D11V, D58V.
Identifiers: ClinVar variation 1926510 (VCV001926510.6), dbSNP rs1265930178, ClinGen allele CA385723870.

ClinVar aggregate classification (germline): Uncertain significance. Review status: criteria provided, multiple submitters, no conflicts (2 of 4 stars). 2 submissions from 2 submitters: Uncertain significance (2). Last evaluated 2025-07-02.

Allele frequency attached by ClinVar (database versions not stated): TOPMed below 0.00001; gnomAD 0.00001.
gnomAD v4.1: 2 of 1,612,812 alleles (0.00012%); highest among the groups gnomAD compares: Admixed American, 0.0017%; no homozygotes.

Submissions (2):

Ambry Genetics
Classification: Uncertain significance. Last evaluated: 2025-07-02. Review status: criteria provided, single submitter. Criteria: Ambry Variant Classification Scheme 2023. Collection method: clinical testing. Allele origin: germline.

Labcorp Genetics (formerly Invitae), Labcorp
Classification: Uncertain significance. Last evaluated: 2022-09-30. Review status: criteria provided, single submitter. Criteria: Invitae Variant Classification Sherloc (09022015). Collection method: clinical testing. Allele origin: germline.
Comment: This variant is present in population databases (no rsID available, gnomAD 0.004%). This sequence change replaces aspartic acid, which is acidic and polar, with valine, which is neutral and non-polar, at codon 58 of the CCT2 protein (p.Asp58Val). In summary, the available evidence is currently insufficient to determine the role of this variant in disease. Therefore, it has been classified as a Variant of Uncertain Significance. Algorithms developed to predict the effect of missense changes on protein structure and function are either unavailable or do not agree on the potential impact of this missense change (SIFT: "Deleterious"; PolyPhen-2: "Benign"; Align-GVGD: "Class C0"). This variant has not been reported in the literature in individuals affected with CCT2-related conditions.